The following is an entry in ClinVar:

NM_018341.3(ERMARD):c.563_569del (p.Val188fs)

Gene: ERMARD (ER membrane associated RNA degradation; plus strand). Cytogenetic location: 6q27.
Variant type: Deletion.
Coding change: c.563_569del on transcript NM_018341.3 (MANE Select); coding-DNA positions 563 to 569, 7 bases deleted (TCTTATG; older notation c.563_569delTCTTATG).
Protein change: p.Val188fs; shifts the reading frame from valine 188.
Molecular consequence: frameshift variant.
Genome position (GRCh38, 1-based): chr6:169,759,023-169,759,029, TCTTATG deleted; deleting any 7 consecutive bases within chr6:169,759,022-169,759,029 gives the same sequence; the c. name uses the placement nearest the transcript's 3' end. VCF-style (leftmost placement, unchanged base first): chr6-169759021-CGTCTTAT-C. GRCh37 (hg19) VCF-style: chr6-170159117-CGTCTTAT-C.
Other names: c.563_569del, p.Val188fs (NM_001278531.2, NM_001278533.2); c.185_191del, p.Val62fs (NM_001278532.2); c.185_191delTCTTATG, p.Val62Glyfs (NM_001410957.1); short protein forms V188fs, V62fs.
Identifiers: ClinVar variation 1909868 (VCV001909868.3), dbSNP rs762433145, ClinGen allele CA4105893.

ClinVar aggregate classification (germline): Uncertain significance (1 of 4 stars; one submission).

Submission:

Labcorp Genetics (formerly Invitae), Labcorp
Classification: Uncertain significance. Last evaluated: 2022-09-01. Review status: criteria provided, single submitter. Criteria: Invitae Variant Classification Sherloc (09022015). Collection method: clinical testing. Allele origin: germline.
Comment: This sequence change creates a premature translational stop signal (p.Val188Glyfs*17) in the ERMARD gene. It is expected to result in an absent or disrupted protein product. However, the current clinical and genetic evidence is not sufficient to establish whether loss-of-function variants in ERMARD cause disease. This variant is present in population databases (rs762433145, gnomAD 0.05%). In summary, the available evidence is currently insufficient to determine the role of this variant in disease. Therefore, it has been classified as a Variant of Uncertain Significance. This variant has not been reported in the literature in individuals affected with ERMARD-related conditions.